The following is an entry in ClinVar:

NM_000218.3(KCNQ1):c.958C>G (p.Pro320Ala)

Gene: KCNQ1 (potassium voltage-gated channel subfamily Q member 1; plus strand). Cytogenetic location: 11p15.5.
Variant type: single nucleotide variant.
Coding change: c.958C>G on transcript NM_000218.3 (MANE Select); coding-DNA position 958, C replaced by G.
Protein change: p.Pro320Ala; replaces proline 320 with alanine.
Molecular consequence: missense variant.
Genome position (GRCh38, 1-based): chr11:2,583,471, C>G. VCF-style: chr11-2583471-C-G. GRCh37 (hg19) VCF-style: chr11-2604701-C-G.
Other names: c.958C>G (LRG_287t1); c.958C>G, p.Pro320Ala (NM_001406836.1); c.688C>G, p.Pro230Ala (NM_001406837.1); c.514C>G, p.Pro172Ala (NM_001406838.1); c.577C>G, p.Pro193Ala (NM_181798.2); short protein forms P320A, P193A, P172A, P230A.
Identifiers: ClinVar variation 53147 (VCV000053147.3), dbSNP rs199472753, ClinGen allele CA008901.
Genomic context (GRCh38, chr11:2,583,471, plus strand): 5'-TGACCACTGTCCCTCTCCCTGCAGGTCACAGTCACCACCATCGGCTATGGGGACAAGGTG[C>G]CCCAGACGTGGGTCGGGAAGACCATCGCCTCCTGCTTCTCTGTCTTTGCCATCTCCTTCT-3'
Protein context (NP_000209.2, residues 310-330): VTTIGYGDKV[Pro320Ala]QTWVGKTIAS

ClinVar aggregate classification (germline): not provided (0 of 4 stars; one submission).

Conditions:
Familial long QT syndrome (RWS). Also called: Congenital long QT syndrome; Romano-Ward syndrome; VENTRICULAR FIBRILLATION WITH PROLONGED QT INTERVAL. Identifiers: Orphanet 768, MedGen C1141890, MONDO:0019171.

Submission:

Cardiovascular Biomedical Research Unit, Royal Brompton & Harefield NHS Foundation Trust
No classification provided. Condition: Familial long QT syndrome. Review status: no classification provided. Collection method: literature only. Allele origin: germline.
Comment: This variant has been reported as associated with Long QT syndrome in the following publications (PMID:9386136;PMID:19540844). This is a literature report, and does not necessarily reflect the clinical interpretation of the Imperial College / Royal Brompton Cardiovascular Genetics laboratory.

Literature cited by the submitters: PubMed 9386136; PubMed 19540844; PubMed 22581653.